The following is an entry in ClinVar:

NM_001242896.3(DEPDC5):c.4214G>A (p.Trp1405Ter)

Gene: DEPDC5 (DEP domain containing 5, GATOR1 subcomplex subunit; plus strand). Cytogenetic location: 22q12.3.
Variant type: single nucleotide variant.
Coding change: c.4214G>A on transcript NM_001242896.3 (MANE Select); coding-DNA position 4214, G replaced by A.
Protein change: p.Trp1405Ter; replaces tryptophan 1405 with a stop codon.
Molecular consequence: nonsense. On other transcripts: non-coding transcript variant (5).
Genome position (GRCh38, 1-based): chr22:31,897,492, G>A. VCF-style: chr22-31897492-G-A. GRCh37 (hg19) VCF-style: chr22-32293478-G-A.
Other names: c.4187G>A, p.Trp1396Ter (NM_001136029.4); c.3914G>A, p.Trp1305Ter (NM_001242897.2); c.4148G>A, p.Trp1383Ter (NM_001363852.2, NM_001364320.2); c.3980G>A, p.Trp1327Ter (NM_001363854.2, NM_001364319.2); c.4214G>A, p.Trp1405Ter (NM_001364318.2); c.4130G>A, p.Trp1377Ter (NM_001369901.1, NM_001369902.1); c.4121G>A, p.Trp1374Ter (NM_001369903.1, NM_014662.6); short protein forms W1305*, W1327*, W1374*, W1377*, W1383*, W1396*, W1405*.
Identifiers: ClinVar variation 3255218 (VCV003255218.4), dbSNP rs2523314330.

ClinVar aggregate classification (germline): Pathogenic. Review status: criteria provided, multiple submitters, no conflicts (2 of 4 stars). 2 submissions from 2 submitters: Pathogenic (2). Last evaluated 2024-10-31.

Conditions:
Epilepsy, familial focal, with variable foci 1 (FFEVF1). Also called: DEPDC5-Related Epilepsy. Identifiers: MedGen C4551983, MONDO:0024556, OMIM 604364.
Familial focal epilepsy with variable foci (FPEVF). Identifiers: Orphanet 98820, MedGen C1858477, MONDO:0020310.

Submissions (2):

Labcorp Genetics (formerly Invitae), Labcorp
Classification: Pathogenic for Familial focal epilepsy with variable foci. Last evaluated: 2024-10-31. Review status: criteria provided, single submitter. Criteria: Invitae Variant Classification Sherloc (09022015). Collection method: clinical testing. Allele origin: germline.
Comment: This sequence change creates a premature translational stop signal (p.Trp1405*) in the DEPDC5 gene. It is expected to result in an absent or disrupted protein product. Loss-of-function variants in DEPDC5 are known to be pathogenic (PMID: 23542697, 23542701). This variant is not present in population databases (gnomAD no frequency). This variant has not been reported in the literature in individuals affected with DEPDC5-related conditions. ClinVar contains an entry for this variant (Variation ID: 3255218). For these reasons, this variant has been classified as Pathogenic.

Victorian Clinical Genetics Services, Murdoch Childrens Research Institute
Classification: Pathogenic for Epilepsy, familial focal, with variable foci 1. Last evaluated: 2024-09-19. Review status: criteria provided, single submitter. Criteria: ACMG Guidelines, 2015. Collection method: clinical testing. Allele origin: germline. Inheritance: Autosomal dominant inheritance. Affected: yes.
Comment: Based on the classification scheme VCGS_Germline_v1.3.4, this variant is classified as Pathogenic. Following criteria are met: 0102 - Loss of function is a known mechanism of disease in this gene and is associated with familial focal epilepsy with variable foci 1 (MIM#604364). (I) 0107 - This gene is associated with autosomal dominant disease. (I) 0112 - The condition associated with this gene has incomplete penetrance. Unaffected individuals with pathogenic familial variants are commonly reported, with penetrance estimated to be between 66% and 70% (PMIDs: 30767899, 32848577). (I) 0115 - Variants in this gene are known to have variable expressivity. Disease presentation in affected individuals is known to vary considerably even within the same family, from mild febrile seizures to severe focal epilepsy with cortical malformations (PMIDs: 27066554, 32848577). (I) 0201 - Variant is predicted to cause nonsense-mediated decay (NMD) and loss of protein (premature termination codon is located at least 54 nucleotides upstream of the final exon-exon junction). (SP) 0251 - This variant is heterozygous. (I) 0301 - Variant is absent from gnomAD (both v2 and v3). (SP) 0701 - Other NMD-predicted variants comparable to the one identified in this case have very strong previous evidence for pathogenicity. Many NMD-predicted variants have previously been reported as pathogenic in individuals with familial focal epilepsy with variable foci 1 (DECIPHER). (SP) 0807 - This variant has no previous evidence of pathogenicity. (I) 0905 - No published segregation evidence has been identified for this variant. (I) 1007 - No published functional evidence has been identified for this variant. (I) 1102 - Strong phenotype match for this individual. (SP) 1208 - Inheritance information for this variant is not currently available in this individual. (I) Legend: (SP) - Supporting pathogenic, (I) - Information, (SB) - Supporting benign

Literature cited by the submitters: PubMed 23542697 (cited by Labcorp Genetics (formerly Invitae), Labcorp); PubMed 23542701 (cited by Labcorp Genetics (formerly Invitae), Labcorp); PubMed 27066554 (cited by Victorian Clinical Genetics Services, Murdoch Childrens Research Institute); PubMed 30767899 (cited by Victorian Clinical Genetics Services, Murdoch Childrens Research Institute); PubMed 32848577 (cited by Victorian Clinical Genetics Services, Murdoch Childrens Research Institute).